The following is an entry in ClinVar:

NM_000530.8(MPZ):c.728C>T (p.Ser243Phe)

Gene: MPZ (myelin protein zero; minus strand). Cytogenetic location: 1q23.3.
Variant type: single nucleotide variant.
Coding change: c.728C>T on transcript NM_000530.8 (MANE Select); coding-DNA position 728, C replaced by T.
Protein change: p.Ser243Phe; replaces serine 243 with phenylalanine.
Molecular consequence: missense variant.
Genome position (GRCh38, 1-based): chr1:161,305,895, G>A on the plus strand (C>T on the coding strand, the complement: MPZ is on the minus strand). VCF-style: chr1-161305895-G-A. GRCh37 (hg19) VCF-style: chr1-161275685-G-A.
Other names: c.728C>T, p.Ser243Phe (NM_001315491.2); short protein forms S243F.
Identifiers: ClinVar variation 2037077 (VCV002037077.4), dbSNP rs779544770, ClinGen allele CA1210058.

ClinVar aggregate classification (germline): Uncertain significance (1 of 4 stars; one submission).

Conditions:
Charcot-Marie-Tooth disease, type I (CMT1). Also called: Charcot-Marie-Tooth, Type 1; Charcot-Marie-Tooth disease type 1. Identifiers: Orphanet 65753, MedGen C0751036, MONDO:0019011.

Allele frequency attached by ClinVar (database versions not stated): gnomAD exomes below 0.00001; ExAC 0.00001.
gnomAD v4.1: 3 of 1,613,672 alleles (0.00019%); highest among the groups gnomAD compares: East Asian, 0.0067%; no homozygotes.

Submission:

Labcorp Genetics (formerly Invitae), Labcorp
Classification: Uncertain significance for Charcot-Marie-Tooth disease, type I. Last evaluated: 2025-12-06. Review status: criteria provided, single submitter. Criteria: Invitae Variant Classification Sherloc (09022015). Collection method: clinical testing. Allele origin: germline.
Comment: This sequence change replaces serine, which is neutral and polar, with phenylalanine, which is neutral and non-polar, at codon 243 of the MPZ protein (p.Ser243Phe). This variant is present in population databases (rs779544770, gnomAD 0.02%). This variant has not been reported in the literature in individuals affected with MPZ-related conditions. ClinVar contains an entry for this variant (Variation ID: 2037077). An algorithm developed to predict the effect of missense changes on protein structure and function (PolyPhen-2) suggests that this variant is likely to be tolerated. In summary, the available evidence is currently insufficient to determine the role of this variant in disease. Therefore, it has been classified as a Variant of Uncertain Significance.